The following is an entry in ClinVar:

NM_000217.3(KCNA1):c.424C>A (p.Arg142Ser)

Gene: KCNA1 (potassium voltage-gated channel subfamily A member 1; plus strand). Cytogenetic location: 12p13.32.
Variant type: single nucleotide variant.
Coding change: c.424C>A on transcript NM_000217.3 (MANE Select); coding-DNA position 424, C replaced by A.
Protein change: p.Arg142Ser; replaces arginine 142 with serine.
Molecular consequence: missense variant.
Genome position (GRCh38, 1-based): chr12:4,911,802, C>A. VCF-style: chr12-4911802-C-A. GRCh37 (hg19) VCF-style: chr12-5020968-C-A.
Other names: c.424C>A (NM_000217.2); short protein forms R142S.
Identifiers: ClinVar variation 1382866 (VCV001382866.8), dbSNP rs1947353456, ClinGen allele CA383454537.
Genomic context (GRCh38, chr12:4,911,802, plus strand): 5'-TTGGGCGAGGAGGCCATGGAGAAGTTCCGGGAGGACGAGGGCTTCATCAAGGAGGAGGAG[C>A]GCCCTCTGCCCGAGAAGGAGTACCAGCGCCAGGTGTGGCTGCTCTTCGAGTACCCCGAGA-3'
Protein context (NP_000208.2, residues 132-152): EDEGFIKEEE[Arg142Ser]PLPEKEYQRQ

ClinVar aggregate classification (germline): Uncertain significance. Review status: criteria provided, multiple submitters, no conflicts (2 of 4 stars). 3 submissions from 3 submitters: Uncertain significance (3). Last evaluated 2025-11-26.

Conditions:
Inborn genetic diseases. Identifiers: MedGen C0950123, MeSH D030342.
Episodic ataxia type 1 (EA1). Also called: PAROXYSMAL ATAXIA WITH NEUROMYOTONIA, HEREDITARY; ATAXIA, EPISODIC, WITH MYOKYMIA; Episodic ataxia/myokymia syndrome; MYOKYMIA WITH PERIODIC ATAXIA. Identifiers: Orphanet 37612, Orphanet 972, MedGen C1719788, MONDO:0008047, OMIM 160120.

Allele frequency attached by ClinVar (database versions not stated): gnomAD exomes below 0.00001; TOPMed below 0.00001.

Submissions (3):

Ambry Genetics
Classification: Uncertain significance for Inborn genetic diseases. Last evaluated: 2025-11-26. Review status: criteria provided, single submitter. Criteria: Ambry Variant Classification Scheme 2023. Collection method: clinical testing. Allele origin: germline.

Fulgent Genetics
Classification: Uncertain significance for Episodic ataxia type 1. Last evaluated: 2024-03-07. Review status: criteria provided, single submitter. Criteria: ACMG Guidelines, 2015. Collection method: clinical testing. Allele origin: germline.

Labcorp Genetics (formerly Invitae), Labcorp
Classification: Uncertain significance for Episodic ataxia type 1. Last evaluated: 2023-08-07. Review status: criteria provided, single submitter. Criteria: Invitae Variant Classification Sherloc (09022015). Collection method: clinical testing. Allele origin: germline.
Comment: This sequence change replaces arginine, which is basic and polar, with serine, which is neutral and polar, at codon 142 of the KCNA1 protein (p.Arg142Ser). In summary, the available evidence is currently insufficient to determine the role of this variant in disease. Therefore, it has been classified as a Variant of Uncertain Significance. Advanced modeling of protein sequence and biophysical properties (such as structural, functional, and spatial information, amino acid conservation, physicochemical variation, residue mobility, and thermodynamic stability) performed at Invitae indicates that this missense variant is not expected to disrupt KCNA1 protein function. ClinVar contains an entry for this variant (Variation ID: 1382866). This variant has not been reported in the literature in individuals affected with KCNA1-related conditions. This variant is not present in population databases (gnomAD no frequency).